The following is an entry in ClinVar:

NM_001349253.2(SCN11A):c.4885G>C (p.Val1629Leu)

Gene: SCN11A (sodium voltage-gated channel alpha subunit 11; minus strand). Cytogenetic location: 3p22.2.
Variant type: single nucleotide variant.
Coding change: c.4885G>C on transcript NM_001349253.2 (MANE Select); coding-DNA position 4885, G replaced by C.
Protein change: p.Val1629Leu; replaces valine 1629 with leucine.
Molecular consequence: missense variant.
Genome position (GRCh38, 1-based): chr3:38,847,185, C>G on the plus strand (G>C on the coding strand, the complement: SCN11A is on the minus strand). VCF-style: chr3-38847185-C-G. GRCh37 (hg19) VCF-style: chr3-38888676-C-G.
Other names: c.4885G>C, p.Val1629Leu (NM_014139.3); short protein forms V1629L.
Identifiers: ClinVar variation 2931109 (VCV002931109.3), dbSNP rs567264000, ClinGen allele CA2321445.

ClinVar aggregate classification (germline): Uncertain significance (1 of 4 stars; one submission).

Conditions:
Hereditary sensory and autonomic neuropathy type 7. Also called: HSAN VII; Neuropathy, hereditary sensory and autonomic, type VII. Identifiers: Orphanet 391397, MedGen C3809882, MONDO:0014244, OMIM 615548.
Familial episodic pain syndrome with predominantly lower limb involvement. Also called: Episodic pain syndrome, familial, 3. Identifiers: Orphanet 391384, Orphanet 391392, MedGen C3809899, MONDO:0014247, OMIM 615552.

Allele frequency attached by ClinVar (database versions not stated): ExAC 0.00001; gnomAD 0.00001; TOPMed 0.00002; 1000 Genomes Project 30x 0.00016; 1000 Genomes Project 0.00020.
gnomAD v4.1: 2 of 1,614,154 alleles (0.00012%); highest among the groups gnomAD compares: African/African-American, 0.0027%; no homozygotes.

Submission:

Labcorp Genetics (formerly Invitae), Labcorp
Classification: Uncertain significance for Familial episodic pain syndrome with predominantly lower limb involvement; Hereditary sensory and autonomic neuropathy type 7. Last evaluated: 2023-11-07. Review status: criteria provided, single submitter. Criteria: Invitae Variant Classification Sherloc (09022015). Collection method: clinical testing. Allele origin: germline.
Comment: This sequence change replaces valine, which is neutral and non-polar, with leucine, which is neutral and non-polar, at codon 1629 of the SCN11A protein (p.Val1629Leu). This variant is present in population databases (rs567264000, gnomAD 0.008%). This variant has not been reported in the literature in individuals affected with SCN11A-related conditions. Advanced modeling of protein sequence and biophysical properties (such as structural, functional, and spatial information, amino acid conservation, physicochemical variation, residue mobility, and thermodynamic stability) performed at Invitae indicates that this missense variant is not expected to disrupt SCN11A protein function with a negative predictive value of 80%. In summary, the available evidence is currently insufficient to determine the role of this variant in disease. Therefore, it has been classified as a Variant of Uncertain Significance.